The following is an entry in ClinVar:

NM_001845.6(COL4A1):c.2912C>T (p.Pro971Leu)

Gene: COL4A1 (collagen type IV alpha 1 chain; minus strand). Cytogenetic location: 13q34.
Variant type: single nucleotide variant.
Coding change: c.2912C>T on transcript NM_001845.6 (MANE Select); coding-DNA position 2912, C replaced by T.
Protein change: p.Pro971Leu; replaces proline 971 with leucine.
Molecular consequence: missense variant.
Genome position (GRCh38, 1-based): chr13:110,176,682, G>A on the plus strand (C>T on the coding strand, the complement: COL4A1 is on the minus strand). VCF-style: chr13-110176682-G-A. GRCh37 (hg19) VCF-style: chr13-110829029-G-A.
Other names: c.2912C>T (NM_001845.4); short protein forms P971L.
Identifiers: ClinVar variation 3720516 (VCV003720516.3).

ClinVar aggregate classification (germline): Uncertain significance. Review status: criteria provided, multiple submitters, no conflicts (2 of 4 stars). 2 submissions from 2 submitters: Uncertain significance (2). Last evaluated 2025-02-12.

Conditions:
Inborn genetic diseases. Identifiers: MedGen C0950123, MeSH D030342.

Submissions (2):

Ambry Genetics
Classification: Uncertain significance for Inborn genetic diseases. Last evaluated: 2025-02-12. Review status: criteria provided, single submitter. Criteria: Ambry Variant Classification Scheme 2023. Collection method: clinical testing. Allele origin: germline.

Labcorp Genetics (formerly Invitae), Labcorp
Classification: Uncertain significance. Last evaluated: 2024-12-03. Review status: criteria provided, single submitter. Criteria: Invitae Variant Classification Sherloc (09022015). Collection method: clinical testing. Allele origin: germline.
Comment: This sequence change replaces proline, which is neutral and non-polar, with leucine, which is neutral and non-polar, at codon 971 of the COL4A1 protein (p.Pro971Leu). This variant is not present in population databases (gnomAD no frequency). This variant has not been reported in the literature in individuals affected with COL4A1-related conditions. Invitae Evidence Modeling of protein sequence and biophysical properties (such as structural, functional, and spatial information, amino acid conservation, physicochemical variation, residue mobility, and thermodynamic stability) indicates that this missense variant is not expected to disrupt COL4A1 protein function with a negative predictive value of 95%. In summary, the available evidence is currently insufficient to determine the role of this variant in disease. Therefore, it has been classified as a Variant of Uncertain Significance.